The following is an entry in ClinVar:

ClinVar aggregate classification (germline): Uncertain significance (1 of 4 stars; one submission).

Allele frequency attached by ClinVar (database versions not stated): gnomAD exomes below 0.00001; gnomAD 0.00001.
gnomAD v4.1: 3 of 1,613,972 alleles (0.00019%); highest among the groups gnomAD compares: African/African-American, 0.0027%; no homozygotes.

Submission:

Labcorp Genetics (formerly Invitae), Labcorp
Classification: Uncertain significance. Last evaluated: 2022-10-05. Review status: criteria provided, single submitter. Criteria: Invitae Variant Classification Sherloc (09022015). Collection method: clinical testing. Allele origin: germline.
Comment: Algorithms developed to predict the effect of missense changes on protein structure and function are either unavailable or do not agree on the potential impact of this missense change (SIFT: "Not Available"; PolyPhen-2: "Benign"; Align-GVGD: "Not Available"). In summary, the available evidence is currently insufficient to determine the role of this variant in disease. Therefore, it has been classified as a Variant of Uncertain Significance. This sequence change replaces histidine, which is basic and polar, with arginine, which is basic and polar, at codon 754 of the EGF protein (p.His754Arg). This variant is not present in population databases (gnomAD no frequency). This variant has not been reported in the literature in individuals affected with EGF-related conditions.

NM_001963.6(EGF):c.2261A>G (p.His754Arg)

Genes: EGF (epidermal growth factor; plus strand), LOC126807134 (BRD4-independent group 4 enhancer GRCh37_chr4:110900995-110902194; plus strand). Cytogenetic location: 4q25.
Variant type: single nucleotide variant.
Coding change: c.2261A>G on transcript NM_001963.6 (MANE Select); coding-DNA position 2261, A replaced by G.
Protein change: p.His754Arg; replaces histidine 754 with arginine.
Molecular consequence: missense variant.
Genome position (GRCh38, 1-based): chr4:109,980,865, A>G. VCF-style: chr4-109980865-A-G. GRCh37 (hg19) VCF-style: chr4-110902021-A-G.
Other names: c.2261A>G, p.His754Arg (NM_001178130.3); c.2135A>G, p.His712Arg (NM_001178131.3, NM_001357021.2); short protein forms H712R, H754R.
Identifiers: ClinVar variation 2191243 (VCV002191243.4), dbSNP rs1307143732, ClinGen allele CA357884945.
Genomic context (GRCh38, chr4:109,980,865, plus strand): 5'-TTTGTTTCTTTTCTCTACTAGGAGCAGATCCCTGCTTATATCAAAACGGAGGCTGTGAAC[A>G]TATTTGCAAAAAGAGGCTTGGAACTGCTTGGTGTTCGTGTCGTGAAGGTTTTATGAAAGC-3'
Protein context (NP_001954.2, residues 744-764): PCLYQNGGCE[His754Arg]ICKKRLGTAW